The following is an entry in ClinVar:

NM_001173467.3(SP7):c.290A>G (p.His97Arg)

Gene: SP7 (Sp7 transcription factor; minus strand). Cytogenetic location: 12q13.13.
Variant type: single nucleotide variant.
Coding change: c.290A>G on transcript NM_001173467.3 (MANE Select); coding-DNA position 290, A replaced by G.
Protein change: p.His97Arg; replaces histidine 97 with arginine.
Molecular consequence: missense variant.
Genome position (GRCh38, 1-based): chr12:53,329,152, T>C on the plus strand (A>G on the coding strand, the complement: SP7 is on the minus strand). VCF-style: chr12-53329152-T-C. GRCh37 (hg19) VCF-style: chr12-53722936-T-C.
Other names: c.236A>G, p.His79Arg (NM_001300837.2); c.290A>G, p.His97Arg (NM_152860.2); short protein forms H97R, H79R.
Identifiers: ClinVar variation 3655615 (VCV003655615.2).

ClinVar aggregate classification (germline): Uncertain significance (1 of 4 stars; one submission).

Submission:

Labcorp Genetics (formerly Invitae), Labcorp
Classification: Uncertain significance. Last evaluated: 2024-06-05. Review status: criteria provided, single submitter. Criteria: Invitae Variant Classification Sherloc (09022015). Collection method: clinical testing. Allele origin: germline.
Comment: This sequence change replaces histidine, which is basic and polar, with arginine, which is basic and polar, at codon 97 of the SP7 protein (p.His97Arg). This variant is not present in population databases (gnomAD no frequency). This variant has not been reported in the literature in individuals affected with SP7-related conditions. An algorithm developed to predict the effect of missense changes on protein structure and function (PolyPhen-2) suggests that this variant is likely to be tolerated. In summary, the available evidence is currently insufficient to determine the role of this variant in disease. Therefore, it has been classified as a Variant of Uncertain Significance.